The following is an entry in ClinVar:

NM_001130004.2(ACTN1):c.384G>T (p.Trp128Cys)

Gene: ACTN1 (actinin alpha 1; minus strand). Cytogenetic location: 14q24.1.
Variant type: single nucleotide variant.
Coding change: c.384G>T on transcript NM_001130004.2 (MANE Select); coding-DNA position 384, G replaced by T.
Protein change: p.Trp128Cys; replaces tryptophan 128 with cysteine.
Molecular consequence: missense variant.
Genome position (GRCh38, 1-based): chr14:68,912,199, C>A on the plus strand (G>T on the coding strand, the complement: ACTN1 is on the minus strand). VCF-style: chr14-68912199-C-A. GRCh37 (hg19) VCF-style: chr14-69378916-C-A.
Other names: c.384G>T, p.Trp128Cys (NM_001102.4, NM_001130005.2); short protein forms W128C.
Identifiers: ClinVar variation 1684463 (VCV001684463.1), dbSNP rs2140302103, ClinGen allele CA390192092.
Genomic context (GRCh38, chr14:68,912,199, plus strand): 5'-ACAAAGCAGAAACCCACCTTCCACGGAGATGTCCTGGATGGCAAAGCGCAGGATGATGGT[C>A]CAGATCATGCCCAGGGTCATCTTCACATTCCCATCCACGATTTCTACAGAAACAGCAGCA-3'
Protein context (NP_001123476.1, residues 118-138): GNVKMTLGMI[Trp128Cys]TIILRFAIQD

ClinVar aggregate classification (germline): Pathogenic (0 of 4 stars; one submission).

Conditions:
Platelet-type bleeding disorder 15 (BDPLT15). Also called: MACROTHROMBOCYTOPENIA, AUTOSOMAL DOMINANT, ACTN1-RELATED. Identifiers: Orphanet 140957, MedGen C3554663, MONDO:0014078, OMIM 615193.

Submission:

ISTH-SSC Genomics in Thrombosis and Hemostasis, KU Leuven, Center for Molecular and Vascular Biology
Classification: Pathogenic for Platelet-type bleeding disorder 15. Review status: no assertion criteria provided. Collection method: research. Allele origin: unknown. Affected: yes.
Comment: Submitted to GoldVariant by Dr Marie-Christine Morel-Kopp from Northern Blood Research Centre, Sydney, Australia